The following is an entry in ClinVar:

ClinVar aggregate classification (germline): Uncertain significance (1 of 4 stars; one submission).

Conditions:
Holoprosencephaly 11 (HPE11). Identifiers: Orphanet 2162, MedGen C3280215, MONDO:0013642, OMIM 614226.

Submission:

Labcorp Genetics (formerly Invitae), Labcorp
Classification: Uncertain significance for Holoprosencephaly 11. Last evaluated: 2024-08-11. Review status: criteria provided, single submitter. Criteria: Invitae Variant Classification Sherloc (09022015). Collection method: clinical testing. Allele origin: germline.
Comment: This sequence change replaces proline, which is neutral and non-polar, with threonine, which is neutral and polar, at codon 1054 of the CDON protein (p.Pro1054Thr). This variant is not present in population databases (gnomAD no frequency). This variant has not been reported in the literature in individuals affected with CDON-related conditions. Advanced modeling of protein sequence and biophysical properties (such as structural, functional, and spatial information, amino acid conservation, physicochemical variation, residue mobility, and thermodynamic stability) performed at Invitae indicates that this missense variant is not expected to disrupt CDON protein function with a negative predictive value of 80%. In summary, the available evidence is currently insufficient to determine the role of this variant in disease. Therefore, it has been classified as a Variant of Uncertain Significance.

NM_001378964.1(CDON):c.3160C>A (p.Pro1054Thr)

Gene: CDON (cell adhesion associated, oncogene regulated; minus strand). Cytogenetic location: 11q24.2.
Variant type: single nucleotide variant.
Coding change: c.3160C>A on transcript NM_001378964.1 (MANE Select); coding-DNA position 3160, C replaced by A.
Protein change: p.Pro1054Thr; replaces proline 1054 with threonine.
Molecular consequence: missense variant.
Genome position (GRCh38, 1-based): chr11:125,981,165, G>T on the plus strand (C>A on the coding strand, the complement: CDON is on the minus strand). VCF-style: chr11-125981165-G-T. GRCh37 (hg19) VCF-style: chr11-125851060-G-T.
Other names: c.3160C>A, p.Pro1054Thr (NM_001243597.3, NM_016952.6); short protein forms P1054T.
Identifiers: ClinVar variation 3698297 (VCV003698297.2).